The following is an entry in ClinVar:

NM_000051.4(ATM):c.5759del (p.Lys1920fs)

Gene: ATM (ATM serine/threonine kinase; plus strand). Cytogenetic location: 11q22.3.
Variant type: Deletion.
Coding change: c.5759del on transcript NM_000051.4 (MANE Select); coding-DNA position 5759, one base deleted (A; older notation c.5759delA).
Protein change: p.Lys1920fs; shifts the reading frame from lysine 1920.
Molecular consequence: frameshift variant.
Genome position (GRCh38, 1-based): chr11:108,307,981, A deleted; the last of 4 consecutive A bases (chr11:108,307,978-108,307,981); deleting any one gives the same sequence. VCF-style (leftmost placement, unchanged base first): chr11-108307977-CA-C. GRCh37 (hg19) VCF-style: chr11-108178704-CA-C.
Other names: c.5759del, p.Lys1920fs (NM_001351834.2); short protein forms K1920fs.
Identifiers: ClinVar variation 4618325 (VCV004618325.1).
Genomic context (GRCh38, chr11:108,307,977, plus strand): 5'-TGCTGTTTGGATAAAAAATCACAAAGAACAATGCTTGCTGTTGTGGACTACATGAGAAGA[CA>C]AAAGAGGTAATGTAATGAGTGTTGCTTCTTACGTTTAGGATCTAGAGTGTAACTTGTTAA-3'

ClinVar aggregate classification (germline): Pathogenic (1 of 4 stars; one submission).

Conditions:
Hereditary cancer-predisposing syndrome. Also called: Neoplastic Syndromes, Hereditary; Tumor predisposition; Hereditary Cancer Syndrome; Hereditary neoplastic syndrome. Identifiers: Orphanet 140162, MedGen C0027672, MeSH D009386, MONDO:0015356.

Submission:

Ambry Genetics
Classification: Pathogenic for Hereditary cancer-predisposing syndrome. Last evaluated: 2025-12-05. Review status: criteria provided, single submitter. Criteria: Ambry Variant Classification Scheme 2023. Collection method: clinical testing. Allele origin: germline.
Comment: The c.5759delA pathogenic mutation, located in coding exon 37 of the ATM gene, results from a deletion of one nucleotide at nucleotide position 5759, causing a translational frameshift with a predicted alternate stop codon (p.K1920Rfs*17). This variant is considered to be rare based on population cohorts in the Genome Aggregation Database (gnomAD). This alteration is expected to result in loss of function by premature protein truncation or nonsense-mediated mRNA decay. As such, this alteration is interpreted as a disease-causing mutation.